The following is an entry in ClinVar:

ClinVar aggregate classification (germline): Pathogenic/Likely pathogenic. Review status: criteria provided, multiple submitters, no conflicts (2 of 4 stars). 5 submissions from 5 submitters: Pathogenic (2); Likely pathogenic (3). Last evaluated 2024-07-15.

Conditions:
Hereditary cancer-predisposing syndrome. Also called: Neoplastic Syndromes, Hereditary; Tumor predisposition; Hereditary Cancer Syndrome; Hereditary neoplastic syndrome. Identifiers: Orphanet 140162, MedGen C0027672, MeSH D009386, MONDO:0015356.
Bloom syndrome (BLM). Also called: Bloom-Torre-Machacek syndrome. Identifiers: Orphanet 125, MedGen C0005859, MONDO:0008876, OMIM 210900.

Allele frequency attached by ClinVar (database versions not stated): gnomAD exomes below 0.00001; gnomAD 0.00001; TOPMed 0.00003.

Submissions (5):

Natera, Inc.
Classification: Likely pathogenic for Bloom syndrome. Last evaluated: 2024-07-15. Review status: criteria provided, single submitter. Criteria: Natera Variant Classification Schema (03/2026). Collection method: clinical testing. Allele origin: germline.
Comment: The c.1154delC variant in BLM is a frameshift variant predicted to shift the reading frame beginning at codon 385 and leads to a stop codon 7 codons downstream. This variant is expected to result in nonsense mediated decay, truncation, or a dysfunctional protein product. This variant is rare in the general population with a frequency below the threshold expected for the associated phenotype(s). Given the available evidence, this variant is classified as Likely Pathogenic.

Labcorp Genetics (formerly Invitae), Labcorp
Classification: Pathogenic for Bloom syndrome. Last evaluated: 2024-06-21. Review status: criteria provided, single submitter. Criteria: Invitae Variant Classification Sherloc (09022015). Collection method: clinical testing. Allele origin: germline.
Comment: This sequence change creates a premature translational stop signal (p.Thr385Ilefs*7) in the BLM gene. It is expected to result in an absent or disrupted protein product. Loss-of-function variants in BLM are known to be pathogenic (PMID: 17407155). This variant is present in population databases (no rsID available, gnomAD 0.008%). This variant has not been reported in the literature in individuals affected with BLM-related conditions. ClinVar contains an entry for this variant (Variation ID: 1734905). Algorithms developed to predict the effect of sequence changes on RNA splicing suggest that this variant may disrupt the consensus splice site. For these reasons, this variant has been classified as Pathogenic.

Fulgent Genetics
Classification: Likely pathogenic for Bloom syndrome. Last evaluated: 2024-05-15. Review status: criteria provided, single submitter. Criteria: ACMG Guidelines, 2015. Collection method: clinical testing. Allele origin: germline.

Baylor Genetics
Classification: Likely pathogenic for Bloom syndrome. Last evaluated: 2023-12-23. Review status: criteria provided, single submitter. Criteria: ACMG Guidelines, 2015. Collection method: clinical testing. Allele origin: unknown.

Ambry Genetics
Classification: Pathogenic for Hereditary cancer-predisposing syndrome. Last evaluated: 2021-07-02. Review status: criteria provided, single submitter. Criteria: Ambry Variant Classification Scheme 2023. Collection method: clinical testing. Allele origin: germline.
Comment: The c.1154delC pathogenic mutation, located in coding exon 5 of the BLM gene, results from a deletion of one nucleotide at nucleotide position 1154, causing a translational frameshift with a predicted alternate stop codon (p.T385Ifs*7). This alteration is expected to result in loss of function by premature protein truncation or nonsense-mediated mRNA decay. As such, this alteration is interpreted as a disease-causing mutation.

Literature cited by the submitters: PubMed 17407155 (cited by Labcorp Genetics (formerly Invitae), Labcorp).

NM_000057.4(BLM):c.1154del (p.Thr385fs)

Gene: BLM (BLM RecQ like helicase; plus strand). Cytogenetic location: 15q26.1.
Variant type: Deletion.
Coding change: c.1154del on transcript NM_000057.4 (MANE Select); coding-DNA position 1154, one base deleted (C; older notation c.1154delC).
Protein change: p.Thr385fs; shifts the reading frame from threonine 385.
Molecular consequence: frameshift variant.
Genome position (GRCh38, 1-based): chr15:90,760,213, C deleted. VCF-style (leftmost placement, unchanged base first): chr15-90760212-AC-A. GRCh37 (hg19) VCF-style: chr15-91303442-AC-A.
Other names: c.1154del, p.Thr385fs (NM_001287246.2, NM_001287247.2); c.29del, p.Thr10fs (NM_001287248.2); c.1154delC (NM_000057.3); short protein forms T385fs, T10fs.
Identifiers: ClinVar variation 1734905 (VCV001734905.10), dbSNP rs1409782833, ClinGen allele CA619578353.